The following is an entry in ClinVar:

ClinVar aggregate classification (germline): Uncertain significance (1 of 4 stars; one submission).

Conditions:
Mowat-Wilson syndrome (MOWS). Also called: Classic Mowat-Wilson Syndrome. Identifiers: Orphanet 2152, MedGen C1856113, MONDO:0009341, OMIM 235730.

gnomAD v4.1: 1 of 1,613,792 alleles (0.000062%); highest among the groups gnomAD compares: Non-Finnish European, 0.000085%; no homozygotes.

Submission:

Labcorp Genetics (formerly Invitae), Labcorp
Classification: Uncertain significance for Mowat-Wilson syndrome. Last evaluated: 2024-03-03. Review status: criteria provided, single submitter. Criteria: Invitae Variant Classification Sherloc (09022015). Collection method: clinical testing. Allele origin: germline.
Comment: This sequence change replaces alanine, which is neutral and non-polar, with threonine, which is neutral and polar, at codon 138 of the ZEB2 protein (p.Ala138Thr). This variant is not present in population databases (gnomAD no frequency). This variant has not been reported in the literature in individuals affected with ZEB2-related conditions. An algorithm developed to predict the effect of missense changes on protein structure and function (PolyPhen-2) suggests that this variant is likely to be tolerated. In summary, the available evidence is currently insufficient to determine the role of this variant in disease. Therefore, it has been classified as a Variant of Uncertain Significance.

NM_014795.4(ZEB2):c.412G>A (p.Ala138Thr)

Gene: ZEB2 (zinc finger E-box binding homeobox 2; minus strand). Cytogenetic location: 2q22.3.
Variant type: single nucleotide variant.
Coding change: c.412G>A on transcript NM_014795.4 (MANE Select); coding-DNA position 412, G replaced by A.
Protein change: p.Ala138Thr; replaces alanine 138 with threonine.
Molecular consequence: missense variant.
Genome position (GRCh38, 1-based): chr2:144,405,016, C>T on the plus strand (G>A on the coding strand, the complement: ZEB2 is on the minus strand). VCF-style: chr2-144405016-C-T. GRCh37 (hg19) VCF-style: chr2-145162583-C-T.
Other names: c.340G>A, p.Ala114Thr (NM_001171653.2); short protein forms A114T, A138T.
Identifiers: ClinVar variation 3604755 (VCV003604755.2).